The following is an entry in ClinVar:

ClinVar aggregate classification (germline): Uncertain significance (0 of 4 stars; one submission).

Conditions:
SDK2-related disorder. Also called: SDK2-related condition.

Submission:

PreventionGenetics, part of Exact Sciences
Classification: Uncertain significance for SDK2-related condition. Last evaluated: 2024-06-09. Review status: no assertion criteria provided. Collection method: clinical testing. Allele origin: germline.
Comment: The SDK2 c.4922A>T variant is predicted to result in the amino acid substitution p.Asp1641Val. To our knowledge, this variant has not been reported in the literature or in a large population database, indicating this variant is rare. At this time, the clinical significance of this variant is uncertain due to the absence of conclusive functional and genetic evidence.

NM_001144952.2(SDK2):c.4922A>T (p.Asp1641Val)

Gene: SDK2 (sidekick cell adhesion molecule 2; minus strand). Cytogenetic location: 17q25.1.
Variant type: single nucleotide variant.
Coding change: c.4922A>T on transcript NM_001144952.2 (MANE Select); coding-DNA position 4922, A replaced by T.
Protein change: p.Asp1641Val; replaces aspartic acid 1641 with valine.
Molecular consequence: missense variant.
Genome position (GRCh38, 1-based): chr17:73,379,235, T>A on the plus strand (A>T on the coding strand, the complement: SDK2 is on the minus strand). VCF-style: chr17-73379235-T-A. GRCh37 (hg19) VCF-style: chr17-71375374-T-A.
Other names: short protein forms D1641V.
Identifiers: ClinVar variation 3347955 (VCV003347955.1).